The following is an entry in ClinVar:

NM_005751.5(AKAP9):c.4655T>C (p.Met1552Thr)

Gene: AKAP9 (A-kinase anchoring protein 9; plus strand). Cytogenetic location: 7q21.2.
Variant type: single nucleotide variant.
Coding change: c.4655T>C on transcript NM_005751.5 (MANE Select); coding-DNA position 4655, T replaced by C.
Protein change: p.Met1552Thr; replaces methionine 1552 with threonine.
Molecular consequence: missense variant.
Genome position (GRCh38, 1-based): chr7:92,038,735, T>C. VCF-style: chr7-92038735-T-C. GRCh37 (hg19) VCF-style: chr7-91668049-T-C.
Other names: c.4655T>C, p.Met1552Thr (NM_147185.3); short protein forms M1552T.
Identifiers: ClinVar variation 4869028 (VCV004869028.1).
Genomic context (GRCh38, chr7:92,038,735, plus strand): 5'-ATAGTGATCCCCATGATATACCAGAATCAAAGGACTGTGTGCTGACTATTTCAGAAGAAA[T>C]GTTCTCCAAAGATAAAACATTTATAGTTAGACAGTCTGTAAGTATGCCTCCTTGAATATA-3'
Protein context (NP_005742.4, residues 1542-1562): KDCVLTISEE[Met1552Thr]FSKDKTFIVR

ClinVar aggregate classification (germline): Uncertain significance (1 of 4 stars; one submission).

Conditions:
Cardiovascular phenotype. Identifiers: MedGen CN230736.

Submission:

Ambry Genetics
Classification: Uncertain significance for Cardiovascular phenotype. Last evaluated: 2026-05-03. Review status: criteria provided, single submitter. Criteria: Ambry Variant Classification Scheme 2023. Collection method: clinical testing. Allele origin: germline.
Comment: The p.M1552T variant (also known as c.4655T>C), located in coding exon 17 of the AKAP9 gene, results from a T to C substitution at nucleotide position 4655. The methionine at codon 1552 is replaced by threonine, an amino acid with similar properties. This amino acid position is conserved. In addition, this alteration is predicted to be tolerated by in silico analysis. Based on the available evidence, the clinical significance of this variant remains unclear.